The following is an entry in ClinVar:

ClinVar aggregate classification (germline): Pathogenic. Review status: reviewed by expert panel (3 of 4 stars). 7 submissions from 7 submitters: Pathogenic (1). 6 of the submissions do not count toward it. Last evaluated 2016-10-18.

Conditions:
Inherited breast cancer and ovarian cancer.
Hereditary cancer-predisposing syndrome. Also called: Hereditary Cancer Syndrome; Hereditary neoplastic syndrome; Neoplastic Syndromes, Hereditary; Tumor predisposition. Identifiers: Orphanet 140162, MedGen C0027672, MeSH D009386, MONDO:0015356.
Hereditary breast ovarian cancer syndrome. Also called: BRCA1- and BRCA2-Associated Hereditary Breast and Ovarian Cancer; Hereditary breast and ovarian cancer syndrome; Hereditary breast and ovarian cancer syndrome (HBOC); Breast and ovarian cancer; Hereditary breast and/or ovarian cancer syndrome; Hereditary breast and ovarian cancer. Identifiers: Orphanet 145, MedGen C0677776, MeSH D061325, MONDO:0003582. Disease mechanism: loss of function.
Breast-ovarian cancer, familial, susceptibility to, 1 (BROVCA1). Also called: BRCA1 Hereditary Breast and Ovarian Cancer; OVARIAN CANCER, SUSCEPTIBILITY TO. Identifiers: Orphanet 145, MedGen C2676676, MONDO:0011450, OMIM 604370. Disease mechanism: loss of function.

Submissions (7):

Evidence-based Network for the Interpretation of Germline Mutant Alleles (ENIGMA)
Classification: Pathogenic for Breast-ovarian cancer, familial, susceptibility to, 1. Last evaluated: 2016-10-18. Review status: reviewed by expert panel. Criteria: ENIGMA BRCA1/2 Classification Criteria (2015). Collection method: curation. Allele origin: germline.
Comment: Variant allele predicted to encode a truncated non-functional protein.

Genomics and Molecular Medicine Service, East Genomic Laboratory Hub, NHS Genomic Medicine Service
Classification: Pathogenic for Inherited breast cancer and ovarian cancer. Last evaluated: 2026-07-30. Review status: criteria provided, single submitter. Criteria: ACGS Best Practice Guidelines for Variant Classification in Rare Disease 2020. Collection method: clinical testing. Allele origin: germline. Affected: yes. Not counted in ClinVar's aggregate classification.
Comment: PVS1,PM2,PM5_Strong

Labcorp Genetics (formerly Invitae), Labcorp
Classification: Pathogenic for Hereditary breast ovarian cancer syndrome. Last evaluated: 2025-08-22. Review status: criteria provided, single submitter. Criteria: Invitae Variant Classification Sherloc (09022015). Collection method: clinical testing. Allele origin: germline. Not counted in ClinVar's aggregate classification.
Comment: This sequence change creates a premature translational stop signal (p.Leu1764*) in the BRCA1 gene. It is expected to result in an absent or disrupted protein product. Loss-of-function variants in BRCA1 are known to be pathogenic (PMID: 20104584). This variant is not present in population databases (gnomAD no frequency). This premature translational stop signal has been observed in individual(s) with breast cancer (PMID: 18662409, 28390335). This variant is also known as c.5404delG. ClinVar contains an entry for this variant (Variation ID: 55508). For these reasons, this variant has been classified as Pathogenic.

Women's Health and Genetics/Laboratory Corporation of America, LabCorp
Classification: Pathogenic for Hereditary breast ovarian cancer syndrome. Last evaluated: 2025-04-08. Review status: criteria provided, single submitter. Criteria: LabCorp Variant Classification Summary - May 2015. Collection method: clinical testing. Allele origin: germline. Not counted in ClinVar's aggregate classification.
Comment: Variant summary: BRCA1 c.5289delG (p.Leu1764X) results in a premature termination codon, predicted to cause a truncation of the encoded protein or absence of the protein due to nonsense mediated decay, which are commonly known mechanisms for disease. The variant was absent in 251314 control chromosomes. c.5289delG has been reported in the literature in individuals affected with Hereditary Breast And Ovarian Cancer Syndrome (e.g. DeSilva_2008, Wong-Brown_2015, Sirisena_2017). These data indicate that the variant is very likely to be associated with disease. To our knowledge, no experimental evidence demonstrating an impact on protein function has been reported. The following publications have been ascertained in the context of this evaluation (PMID: 18662409, 25682074, 26187060, 28390335). ClinVar contains an entry for this variant (Variation ID: 55508). Based on the evidence outlined above, the variant was classified as pathogenic.

Ambry Genetics
Classification: Pathogenic for Hereditary cancer-predisposing syndrome. Last evaluated: 2024-07-26. Review status: criteria provided, single submitter. Criteria: Ambry Variant Classification Scheme 2023. Collection method: clinical testing. Allele origin: germline. Not counted in ClinVar's aggregate classification.
Comment: The c.5289delG pathogenic mutation, located in coding exon 19 of the BRCA1 gene, results from a deletion of one nucleotide at nucleotide position 5289, causing a translational frameshift with a predicted alternate stop codon (p.L1764*). This variant was identfied in multiple Sri Lankan families with breast cancer and was identified in a large, worldwide study of BRCA1/2 mutation positive families (De Silva W et al. BMC Cancer, 2008 Jul;8:214; Sirisena ND et al. Ceylon Med J, 2017 03;62:65-66; Rebbeck TR et al. Hum. Mutat., 2018 05;39:593-620). This variant is also described in the literature as c.5404delG. This variant is considered to be rare based on population cohorts in the Genome Aggregation Database (gnomAD). In addition to the clinical data presented in the literature, this alteration is expected to result in loss of function by premature protein truncation or nonsense-mediated mRNA decay. As such, this alteration is interpreted as a disease-causing mutation.

Baylor Genetics
Classification: Pathogenic for Breast-ovarian cancer, familial, susceptibility to, 1. Last evaluated: 2023-08-22. Review status: criteria provided, single submitter. Criteria: ACMG Guidelines, 2015. Collection method: clinical testing. Allele origin: unknown. Not counted in ClinVar's aggregate classification.

Consortium of Investigators of Modifiers of BRCA1/2 (CIMBA), c/o University of Cambridge
Classification: Pathogenic for Breast-ovarian cancer, familial, susceptibility to, 1. Last evaluated: 2015-10-02. Review status: criteria provided, single submitter. Criteria: CIMBA Mutation Classification guidelines May 2016. Collection method: clinical testing. Allele origin: germline. Not counted in ClinVar's aggregate classification.

Literature cited by the submitters: PubMed 20104584 (cited by Labcorp Genetics (formerly Invitae), Labcorp); PubMed 18662409 (cited by 3 submitters); PubMed 28390335 (cited by 3 submitters); PubMed 25682074 (cited by Women's Health and Genetics/Laboratory Corporation of America, LabCorp); PubMed 26187060 (cited by Women's Health and Genetics/Laboratory Corporation of America, LabCorp and Ambry Genetics); PubMed 29446198 (cited by Ambry Genetics).

NM_007294.4(BRCA1):c.5289del (p.Gly1763_Leu1764insTer)

Gene: BRCA1 (BRCA1 DNA repair associated; minus strand). Cytogenetic location: 17q21.31.
Variant type: Deletion.
Coding change: c.5289del on transcript NM_007294.4 (MANE Select); coding-DNA position 5289, one base deleted (G; older notation c.5289delG).
Protein change: p.Gly1763_Leu1764insTer.
Molecular consequence: frameshift variant. On other transcripts: nonsense (364), non-coding transcript variant (1).
Genome position (GRCh38, 1-based): chr17:43,051,106, C deleted on the plus strand (G on the coding strand, the reverse complement: BRCA1 is on the minus strand); the first of 5 consecutive C bases (chr17:43,051,106-43,051,110); deleting any one gives the same sequence. VCF-style (leftmost placement, unchanged base first): chr17-43051105-GC-G. GRCh37 (hg19) VCF-style: chr17-41203122-GC-G.
Other names: 5408delG; c.5289delG (NM_007294.3); c.5072delG, p.Leu1693Terfs (NM_001407571.1, NM_001407894.1, NM_001407895.1 and 12 more transcripts); c.5351delG, p.Leu1786Terfs (NM_001407581.1, NM_001407582.1); c.5348delG, p.Leu1785Terfs (NM_001407583.1, NM_001407585.1, NM_001407587.1); c.5345delG, p.Leu1784Terfs (NM_001407590.1, NM_001407591.1); c.5285delG, p.Leu1764Terfs (NM_001407593.1, NM_001407594.1, NM_001407596.1 and 6 more transcripts); c.5282delG, p.Leu1763Terfs (NM_001407610.1, NM_001407611.1, NM_001407612.1 and 17 more transcripts); and 77 more.
Identifiers: ClinVar variation 55508 (VCV000055508.24), dbSNP rs80357886, ClinGen allele CA003447.